The following is an entry in ClinVar:

ClinVar aggregate classification (germline): Likely pathogenic (1 of 4 stars; one submission).

Conditions:
Congenital myasthenic syndrome 4A. Also called: Myasthenic syndrome, congenital, 4a, slow-channel; CONGENITAL MYASTHENIC SYNDROME TYPE Ia1; MYASTHENIC SYNDROME, CONGENITAL, 4A, SLOW-CHANNEL, AUTOSOMAL RECESSIVE. Identifiers: Orphanet 590, MedGen C4225413, MONDO:0011600, OMIM 605809.

Allele frequency attached by ClinVar (database versions not stated): gnomAD exomes below 0.00001.
gnomAD v4.1: 1 of 1,602,156 alleles (0.000062%); no homozygotes.

Submission:

Labcorp Genetics (formerly Invitae), Labcorp
Classification: Likely pathogenic for Congenital myasthenic syndrome 4A. Last evaluated: 2022-01-18. Review status: criteria provided, single submitter. Criteria: Invitae Variant Classification Sherloc (09022015). Collection method: clinical testing. Allele origin: germline.
Comment: In summary, the currently available evidence indicates that the variant is pathogenic, but additional data are needed to prove that conclusively. Therefore, this variant has been classified as Likely Pathogenic. Algorithms developed to predict the effect of sequence changes on RNA splicing suggest that this variant may disrupt the consensus splice site. This variant has not been reported in the literature in individuals affected with CHRNE-related conditions. This variant is not present in population databases (gnomAD no frequency). This sequence change affects an acceptor splice site in intron 6 of the CHRNE gene. It is expected to disrupt RNA splicing. Variants that disrupt the donor or acceptor splice site typically lead to a loss of protein function (PMID: 16199547), and loss-of-function variants in CHRNE are known to be pathogenic (PMID: 22678886).

Literature cited by the submitters: PubMed 16199547; PubMed 22678886.

NM_000080.4(CHRNE):c.602-1G>A

Genes: C17orf107 (chromosome 17 open reading frame 107; plus strand), CHRNE (cholinergic receptor nicotinic epsilon subunit; minus strand). Cytogenetic location: 17p13.2.
Variant type: single nucleotide variant.
Coding change: c.602-1G>A on transcript NM_000080.4 (MANE Select); the canonical splice acceptor site of the intron before coding-DNA position 602, G replaced by A.
Molecular consequence: splice acceptor variant. On other transcripts: 3 prime UTR variant (1).
Genome position (GRCh38, 1-based): chr17:4,901,191, C>T on the plus strand (G>A on the coding strand, the complement: CHRNE is on the minus strand). VCF-style: chr17-4901191-C-T. GRCh37 (hg19) VCF-style: chr17-4804486-C-T.
Other names: c.*658C>T (NM_001145536.2).
Identifiers: ClinVar variation 2087538 (VCV002087538.4), dbSNP rs2507555321, ClinGen allele CA397305344.